The following is an entry in ClinVar:

NM_001211.6(BUB1B):c.2153C>T (p.Thr718Ile)

Gene: BUB1B (BUB1 mitotic checkpoint serine/threonine kinase B; plus strand). Cytogenetic location: 15q15.1.
Variant type: single nucleotide variant.
Coding change: c.2153C>T on transcript NM_001211.6 (MANE Select); coding-DNA position 2153, C replaced by T.
Protein change: p.Thr718Ile; replaces threonine 718 with isoleucine.
Molecular consequence: missense variant.
Genome position (GRCh38, 1-based): chr15:40,209,644, C>T. VCF-style: chr15-40209644-C-T. GRCh37 (hg19) VCF-style: chr15-40501845-C-T.
Other names: short protein forms T718I.
Identifiers: ClinVar variation 1786787 (VCV001786787.4), dbSNP rs2542571567, ClinGen allele CA391694131.

ClinVar aggregate classification (germline): Uncertain significance. Review status: criteria provided, multiple submitters, no conflicts (2 of 4 stars). 2 submissions from 2 submitters: Uncertain significance (2). Last evaluated 2024-06-21.

Conditions:
Mosaic variegated aneuploidy syndrome 1 (MVA1). Also called: Warburton-Anyane-Yeboa syndrome. Identifiers: Orphanet 1052, MedGen C1850343, MONDO:0009759, OMIM 257300.
Inborn genetic diseases. Identifiers: MedGen C0950123, MeSH D030342.

Submissions (2):

Labcorp Genetics (formerly Invitae), Labcorp
Classification: Uncertain significance for Mosaic variegated aneuploidy syndrome 1. Last evaluated: 2024-06-21. Review status: criteria provided, single submitter. Criteria: Invitae Variant Classification Sherloc (09022015). Collection method: clinical testing. Allele origin: germline.
Comment: This sequence change replaces threonine, which is neutral and polar, with isoleucine, which is neutral and non-polar, at codon 718 of the BUB1B protein (p.Thr718Ile). This variant is not present in population databases (gnomAD no frequency). This variant has not been reported in the literature in individuals affected with BUB1B-related conditions. ClinVar contains an entry for this variant (Variation ID: 1786787). Algorithms developed to predict the effect of missense changes on protein structure and function output the following: SIFT: "Not Available"; PolyPhen-2: "Benign"; Align-GVGD: "Not Available". The isoleucine amino acid residue is found in multiple mammalian species, which suggests that this missense change does not adversely affect protein function. In summary, the available evidence is currently insufficient to determine the role of this variant in disease. Therefore, it has been classified as a Variant of Uncertain Significance.

Ambry Genetics
Classification: Uncertain significance for Inborn genetic diseases. Last evaluated: 2022-08-15. Review status: criteria provided, single submitter. Criteria: Ambry Variant Classification Scheme 2023. Collection method: clinical testing. Allele origin: germline.
Comment: The p.T718I variant (also known as c.2153C>T), located in coding exon 17 of the BUB1B gene, results from a C to T substitution at nucleotide position 2153. The threonine at codon 718 is replaced by isoleucine, an amino acid with similar properties. This amino acid position is conserved. In addition, this alteration is predicted to be tolerated by in silico analysis. Since supporting evidence is limited at this time, the clinical significance of this alteration remains unclear.